The following is an entry in ClinVar:

NM_001349338.3(FOXP1):c.445A>G (p.Lys149Glu)

Gene: FOXP1 (forkhead box P1; minus strand). Cytogenetic location: 3p13.
Variant type: single nucleotide variant.
Coding change: c.445A>G on transcript NM_001349338.3 (MANE Select); coding-DNA position 445, A replaced by G.
Protein change: p.Lys149Glu; replaces lysine 149 with glutamic acid.
Molecular consequence: missense variant. On other transcripts: non-coding transcript variant (2), intron variant (1).
Genome position (GRCh38, 1-based): chr3:71,052,602, T>C on the plus strand (A>G on the coding strand, the complement: FOXP1 is on the minus strand). VCF-style: chr3-71052602-T-C. GRCh37 (hg19) VCF-style: chr3-71101753-T-C.
Other names: c.145A>G, p.Lys49Glu (NM_001244815.2, NM_001349342.3, NM_001370548.1 and 1 more transcripts); c.445A>G, p.Lys149Glu (NM_001244816.2, NM_001349340.3, NM_032682.6 and 3 more transcripts); c.142A>G, p.Lys48Glu (NM_001349337.2, NM_001349343.3, NM_001349344.3); c.442A>G, p.Lys148Glu (NM_001349341.3); c.283-5507A>G (NM_001244812.3); short protein forms K149E, K48E, K49E, K148E.
Identifiers: ClinVar variation 1353472 (VCV001353472.6), dbSNP rs2107114544, ClinGen allele CA353563776.

ClinVar aggregate classification (germline): Uncertain significance (1 of 4 stars; one submission).

Submission:

Labcorp Genetics (formerly Invitae), Labcorp
Classification: Uncertain significance. Last evaluated: 2022-08-23. Review status: criteria provided, single submitter. Criteria: Invitae Variant Classification Sherloc (09022015). Collection method: clinical testing. Allele origin: germline.
Comment: This sequence change replaces lysine, which is basic and polar, with glutamic acid, which is acidic and polar, at codon 149 of the FOXP1 protein (p.Lys149Glu). This variant is not present in population databases (gnomAD no frequency). This variant has not been reported in the literature in individuals affected with FOXP1-related conditions. ClinVar contains an entry for this variant (Variation ID: 1353472). Algorithms developed to predict the effect of missense changes on protein structure and function are either unavailable or do not agree on the potential impact of this missense change (SIFT: "Tolerated"; PolyPhen-2: "Possibly Damaging"; Align-GVGD: "Class C0"). In summary, the available evidence is currently insufficient to determine the role of this variant in disease. Therefore, it has been classified as a Variant of Uncertain Significance.